The following is an entry in ClinVar:

ClinVar aggregate classification (germline): Conflicting classifications of pathogenicity. Review status: criteria provided, conflicting classifications (1 of 4 stars). 7 submissions from 5 submitters: Uncertain significance (3); Likely benign (4). Last evaluated 2024-11-24.

Conditions:
Wilms tumor 1 (WT1). Also called: Wilms tumor, somatic. Identifiers: Orphanet 654, MedGen CN033288, MONDO:0008679, OMIM 194070.
11p partial monosomy syndrome (WAGR). Also called: WAGR syndrome; WAGR Complex; CHROMOSOME 11p13 DELETION SYNDROME; WAGR Spectrum Disorder. Identifiers: Orphanet 893, MedGen C0206115, MONDO:0008681, OMIM 194072.
Drash syndrome (DDS). Also called: NEPHROPATHY, WILMS TUMOR, AND GENITAL ANOMALIES; WILMS TUMOR AND PSEUDO- OR TRUE HERMAPHRODITISM. Identifiers: Orphanet 220, MedGen C0950121, MONDO:0008682, OMIM 194080.
Frasier syndrome. Identifiers: Orphanet 347, MedGen C0950122, MeSH D052159, MONDO:0007635, OMIM 136680.
Inborn genetic diseases. Identifiers: MedGen C0950123, MeSH D030342.
Nephrotic syndrome, type 4 (NPHS4). Also called: Familial mesangial sclerosis; Nephrotic syndrome, early onset with diffuse mesangial sclerosis. Identifiers: Orphanet 656, MedGen C3151568, MONDO:0009733, OMIM 256370.
Meacham syndrome. Also called: Meacham Winn Culler syndrome. Identifiers: Orphanet 3097, MedGen C1837026, MONDO:0012164, OMIM 608978.

Allele frequency attached by ClinVar (database versions not stated): gnomAD exomes below 0.00001; gnomAD 0.00004; TOPMed 0.00004.
gnomAD v4.1: 10 of 1,609,666 alleles (0.00062%); highest among the groups gnomAD compares: African/African-American, 0.011%; no homozygotes.

Submissions (7):

Ambry Genetics
Classification: Likely benign for Inborn genetic diseases. Last evaluated: 2024-11-24. Review status: criteria provided, single submitter. Criteria: Ambry Variant Classification Scheme 2023. Collection method: clinical testing. Allele origin: germline.

Labcorp Genetics (formerly Invitae), Labcorp
Classification: Likely benign for Wilms tumor 1; Drash syndrome; 11p partial monosomy syndrome; Frasier syndrome. Last evaluated: 2024-08-05. Review status: criteria provided, single submitter. Criteria: Invitae Variant Classification Sherloc (09022015). Collection method: clinical testing. Allele origin: germline.

All of Us Research Program, National Institutes of Health
Classification: Likely benign for Wilms tumor 1. Last evaluated: 2023-02-24. Review status: criteria provided, single submitter. Criteria: ACMG Guidelines, 2015. Collection method: clinical testing. Allele origin: germline. Inheritance: Autosomal dominant inheritance. Observed: 2 variant alleles, 2 heterozygotes.
Comment: This study involves interpretation of variants in research participants for the purpose of population health screening. Participant phenotype was not available at the time of variant classification. Additional details can be found in publication PMID: 35346344, PMCID: PMC8962531

Women's Health and Genetics/Laboratory Corporation of America, LabCorp
Classification: Likely benign. Last evaluated: 2021-07-31. Review status: criteria provided, single submitter. Criteria: LabCorp Variant Classification Summary - May 2015. Collection method: clinical testing. Allele origin: germline.

Illumina Laboratory Services, Illumina
Classification: Uncertain significance for Wilms tumor 1. Last evaluated: 2017-04-28. Review status: criteria provided, single submitter. Criteria: ICSL Variant Classification Criteria 13 December 2019. Collection method: clinical testing. Allele origin: germline.

Illumina Laboratory Services, Illumina
Classification: Uncertain significance for Nephrotic syndrome, type 4. Last evaluated: 2017-04-28. Review status: criteria provided, single submitter. Criteria: ICSL Variant Classification Criteria 13 December 2019. Collection method: clinical testing. Allele origin: germline.

Illumina Laboratory Services, Illumina
Classification: Uncertain significance for Meacham syndrome. Last evaluated: 2017-04-28. Review status: criteria provided, single submitter. Criteria: ICSL Variant Classification Criteria 13 December 2019. Collection method: clinical testing. Allele origin: germline.

NM_024426.6(WT1):c.813G>C (p.Pro271=)

Gene: WT1 (WT1 transcription factor; minus strand). Cytogenetic location: 11p13.
Variant type: single nucleotide variant.
Coding change: c.813G>C on transcript NM_024426.6 (MANE Select); coding-DNA position 813, G replaced by C.
Protein change: p.Pro271=; no amino-acid change (proline 271 retained).
Molecular consequence: synonymous variant. On other transcripts: non-coding transcript variant (2).
Genome position (GRCh38, 1-based): chr11:32,428,030, C>G on the plus strand (G>C on the coding strand, the complement: WT1 is on the minus strand). VCF-style: chr11-32428030-C-G. GRCh37 (hg19) VCF-style: chr11-32449576-C-G.
Other names: c.813G>C, p.Pro271= (NM_000378.6, NM_001407044.1, NM_001407045.1 and 4 more transcripts); c.162G>C, p.Pro54= (NM_001198551.2, NM_001198552.2); c.690G>C, p.Pro230= (NM_001407047.1, NM_001407050.1); c.51G>C, p.Pro17= (NM_001407051.1); c.798G>C, p.Pro266= (NM_024425.2).
Identifiers: ClinVar variation 879620 (VCV000879620.16), dbSNP rs1341857958, ClinGen allele CA473569728.
Genomic context (GRCh38, chr11:32,428,030, plus strand): 5'-CCTCAGCAGCAAAGCCTGGCTGCCGGTGCAGCTGTCGGTGGGGGTGTGGCAGCCATAGAC[C>G]GGGGGCGGCACCGAGTACTGCTGCTCACCTGCAGAGAGAACCGAAGACAGCTGAGCGAGT-3'
Protein context (NP_077744.4, residues 261-281): LGEQQYSVPP[Pro271=]VYGCHTPTDS